The following is an entry in ClinVar:

NM_001367624.2(ZNF469):c.3580C>T (p.Arg1194Cys)

Gene: ZNF469 (zinc finger protein 469; plus strand). Cytogenetic location: 16q24.2.
Variant type: single nucleotide variant.
Coding change: c.3580C>T on transcript NM_001367624.2 (MANE Select); coding-DNA position 3580, C replaced by T.
Protein change: p.Arg1194Cys; replaces arginine 1194 with cysteine.
Molecular consequence: missense variant.
Genome position (GRCh38, 1-based): chr16:88,431,050, C>T. VCF-style: chr16-88431050-C-T. GRCh37 (hg19) VCF-style: chr16-88497458-C-T.
Other names: short protein forms R1194C.
Identifiers: ClinVar variation 2104493 (VCV002104493.4), dbSNP rs1428087312, ClinGen allele CA397085177.

ClinVar aggregate classification (germline): Uncertain significance (1 of 4 stars; one submission).

Allele frequency attached by ClinVar (database versions not stated): gnomAD 0.00001; TOPMed 0.00001.
gnomAD v4.1: 3 of 1,548,342 alleles (0.00019%); highest among the groups gnomAD compares: African/African-American, 0.0014%; no homozygotes.

Submission:

Labcorp Genetics (formerly Invitae), Labcorp
Classification: Uncertain significance. Last evaluated: 2022-02-28. Review status: criteria provided, single submitter. Criteria: Invitae Variant Classification Sherloc (09022015). Collection method: clinical testing. Allele origin: germline.
Comment: In summary, the available evidence is currently insufficient to determine the role of this variant in disease. Therefore, it has been classified as a Variant of Uncertain Significance. Algorithms developed to predict the effect of missense changes on protein structure and function (SIFT, PolyPhen-2, Align-GVGD) all suggest that this variant is likely to be tolerated. This variant has not been reported in the literature in individuals affected with ZNF469-related conditions. This variant is not present in population databases (gnomAD no frequency). This sequence change replaces arginine, which is basic and polar, with cysteine, which is neutral and slightly polar, at codon 1166 of the ZNF469 protein (p.Arg1166Cys).